The following is an entry in ClinVar:

ClinVar aggregate classification (germline): Uncertain significance (1 of 4 stars; one submission).

Conditions:
Inborn genetic diseases. Identifiers: MedGen C0950123, MeSH D030342.

Submission:

Ambry Genetics
Classification: Uncertain significance for Inborn genetic diseases. Last evaluated: 2022-08-04. Review status: criteria provided, single submitter. Criteria: Ambry Variant Classification Scheme 2023. Collection method: clinical testing. Allele origin: germline.
Comment: The p.P775T variant (also known as c.2323C>A), located in coding exon 10 of the ATR gene, results from a C to A substitution at nucleotide position 2323. The proline at codon 775 is replaced by threonine, an amino acid with highly similar properties. This amino acid position is conserved. In addition, this alteration is predicted to be tolerated by in silico analysis. Since supporting evidence is limited at this time, the clinical significance of this alteration remains unclear.

NM_001184.4(ATR):c.2323C>A (p.Pro775Thr)

Gene: ATR (ATR checkpoint kinase; minus strand). Cytogenetic location: 3q23.
Variant type: single nucleotide variant.
Coding change: c.2323C>A on transcript NM_001184.4 (MANE Select); coding-DNA position 2323, C replaced by A.
Protein change: p.Pro775Thr; replaces proline 775 with threonine.
Molecular consequence: missense variant.
Genome position (GRCh38, 1-based): chr3:142,555,895, G>T on the plus strand (C>A on the coding strand, the complement: ATR is on the minus strand). VCF-style: chr3-142555895-G-T. GRCh37 (hg19) VCF-style: chr3-142274737-G-T.
Other names: c.2131C>A, p.Pro711Thr (NM_001354579.2); short protein forms P775T, P711T.
Identifiers: ClinVar variation 1789605 (VCV001789605.2), dbSNP rs2108470297, ClinGen allele CA354818357.